The following is an entry in ClinVar:

NC_000006.11:g.(?_56323793)_(56507596_?)dup

Genes: DST (dystonin; minus strand), LOC129389544 (MPRA-validated peak5860 silencer; plus strand), LOC129996656 (ATAC-STARR-seq lymphoblastoid active region 24702; plus strand). Cytogenetic location: 6p12.1.
Variant type: Duplication.
Identifiers: ClinVar variation 653511 (VCV000653511.9).

ClinVar aggregate classification (germline): Uncertain significance (1 of 4 stars; one submission).

Conditions:
Hereditary sensory and autonomic neuropathy type 6. Also called: Neuropathy, hereditary sensory and autonomic, type VI; HSAN VI. Identifiers: Orphanet 314381, MedGen C3539003, MONDO:0013839, OMIM 614653.
Epidermolysis bullosa simplex 3, localized or generalized intermediate, with BP230 deficiency (EBS3). Also called: Epidermolysis bullosa simplex due to BP230 deficiency; Epidermolysis bullosa simplex, autosomal recessive 2. Identifiers: Orphanet 412181, MedGen C3809470, MONDO:0014180, OMIM 615425.

Submission:

Labcorp Genetics (formerly Invitae), Labcorp
Classification: Uncertain significance for Epidermolysis bullosa simplex 3, localized or generalized intermediate, with BP230 deficiency; Hereditary sensory and autonomic neuropathy type 6. Last evaluated: 2018-11-15. Review status: criteria provided, single submitter. Criteria: Invitae Variant Classification Sherloc (09022015). Collection method: clinical testing. Allele origin: germline.
Comment: This variant results in a copy number gain of the genomic region encompassing the full coding sequence of the DST gene. The boundaries of this event are unknown as they extend beyond the assayed region for this gene and therefore may encompass additional genes. As the precise location of this event is unknown, it may be in tandem or it may be located elsewhere in the genome. In summary, the available evidence is currently insufficient to determine the role of this variant in disease. Therefore, it has been classified as a Variant of Uncertain Significance. This variant has not been reported in the literature in individuals with DST-related disease.